The following is an entry in ClinVar:

ClinVar aggregate classification (germline): Benign/Likely benign. Review status: criteria provided, multiple submitters, no conflicts (2 of 4 stars). 8 submissions from 8 submitters: Benign (1); Likely benign (4). 3 of the submissions do not count toward it. Last evaluated 2026-07-01.

Conditions:
Cowden syndrome 6 (CWS6). Identifiers: Orphanet 201, MedGen C3554519, MONDO:0014048, OMIM 615109.
Ovarian neoplasm. Also called: Ovarian tumor; Neoplasm of ovary; Ovarian Neoplasms. Identifiers: MedGen C0919267, MeSH D010051, MONDO:0021068, HP:0100615.
Colorectal cancer. Also called: Malignant Colorectal Neoplasm; Colorectal cancer, somatic. Identifiers: MedGen C0346629, MONDO:0005575, OMIM 114500.
Familial cancer of breast. Also called: Hereditary breast cancer; BREAST CANCER, FAMILIAL; hereditary breast carcinoma. Identifiers: Orphanet 227535, MedGen C0346153, MONDO:0016419, OMIM 114480. Disease mechanism: loss of function.
Proteus syndrome. Also called: Hemihypertrophy and macrocephaly; Partial gigantism of hands and feet, nevi, hemihypertrophy, macrocephaly; ELATTOPROTEUS SYNDROME; Macrocephaly mesodermal hamartoma spectrum; GIGANTISM, PARTIAL, OF HANDS AND FEET, NEVI, HEMIHYPERTROPHY, AND MACROCEPHALY; PROTEUS SYNDROME, SOMATIC. Identifiers: Orphanet 744, MedGen C0085261, MONDO:0008318, OMIM 176920. Disease mechanism: gain of function, loss of function.
Inborn genetic diseases. Identifiers: MedGen C0950123, MeSH D030342.

Allele frequency attached by ClinVar (database versions not stated): TOPMed 0.00046; gnomAD 0.00061 and 0.00063; gnomAD exomes 0.00061 and 0.00066; ESP Exome Variant Server 0.00069; ExAC 0.00071.
gnomAD v4.1: 980 of 1,614,146 alleles (0.061%); highest among the groups gnomAD compares: Non-Finnish European, 0.065%; 1 homozygote.

Submissions (8):

CeGaT Center for Human Genetics Tuebingen
Classification: Likely benign. Last evaluated: 2026-07-01. Review status: criteria provided, single submitter. Criteria: CeGaT Center For Human Genetics Tuebingen Variant Classification Criteria Version 2. Collection method: clinical testing. Allele origin: germline. Affected: yes. Observed: 6 variant alleles.
Comment: AKT1: BP4, BP7

Labcorp Genetics (formerly Invitae), Labcorp
Classification: Benign for Cowden syndrome 6. Last evaluated: 2025-12-20. Review status: criteria provided, single submitter. Criteria: Invitae Variant Classification Sherloc (09022015). Collection method: clinical testing. Allele origin: germline.

Blueprint Genetics
Classification: Likely benign. Last evaluated: 2024-11-18. Review status: criteria provided, single submitter. Criteria: ACMG Guidelines, 2015. Collection method: clinical testing. Allele origin: germline.

Fulgent Genetics
Classification: Likely benign for Familial cancer of breast; Colorectal cancer; Ovarian cancer; Proteus syndrome; Cowden syndrome 6. Last evaluated: 2022-03-23. Review status: criteria provided, single submitter. Criteria: ACMG Guidelines, 2015. Collection method: clinical testing. Allele origin: unknown.

Ambry Genetics
Classification: Likely benign for Inborn genetic diseases. Last evaluated: 2022-02-12. Review status: criteria provided, single submitter. Criteria: Ambry Variant Classification Scheme 2023. Collection method: clinical testing. Allele origin: germline.

Clinical Genetics DNA and cytogenetics Diagnostics Lab, Erasmus MC, Erasmus Medical Center
Classification: Likely benign. Review status: no assertion criteria provided. Collection method: clinical testing. Allele origin: germline. Affected: yes. Study: VKGL Data-share Consensus. Not counted in ClinVar's aggregate classification.

Clinical Genetics, Academic Medical Center
Classification: Benign. Review status: no assertion criteria provided. Collection method: clinical testing. Allele origin: germline. Affected: yes. Study: VKGL Data-share Consensus. Not counted in ClinVar's aggregate classification.

Genome Diagnostics Laboratory, Amsterdam University Medical Center
Classification: Likely benign. Review status: no assertion criteria provided. Collection method: clinical testing. Allele origin: germline. Affected: yes. Study: VKGL Data-share Consensus. Not counted in ClinVar's aggregate classification.

NM_001382430.1(AKT1):c.1032C>T (p.Cys344=)

Gene: AKT1 (AKT serine/threonine kinase 1; minus strand). Cytogenetic location: 14q32.33.
Variant type: single nucleotide variant.
Coding change: c.1032C>T on transcript NM_001382430.1 (MANE Select); coding-DNA position 1032, C replaced by T.
Protein change: p.Cys344=; no amino-acid change (cysteine 344 retained).
Molecular consequence: synonymous variant.
Genome position (GRCh38, 1-based): chr14:104,773,018, G>A on the plus strand (C>T on the coding strand, the complement: AKT1 is on the minus strand). VCF-style: chr14-104773018-G-A. GRCh37 (hg19) VCF-style: chr14-105239355-G-A.
Other names: c.1032C>T, p.Cys344= (NM_001014431.2, NM_001014432.2, NM_001382431.1 and 3 more transcripts).
Identifiers: ClinVar variation 240102 (VCV000240102.43), dbSNP rs56289559, ClinGen allele CA7374578.
Genomic context (GRCh38, chr14:104,773,018, plus strand): 5'-CTCCATGAGGATGAGCTCAAAAAGCTTCTCATGGTCCTGGTTGTAGAAGGGCAGGCGACC[G>A]CACATCATCTCGTACATGACCACGCCCAGCCCCCACCAGTCCACTGCACGGCCGTAGTCA-3'
Protein context (NP_001369359.1, residues 334-354): GLGVVMYEMM[Cys344=]GRLPFYNQDH